The following is an entry in ClinVar:

NM_003884.5(KAT2B):c.104C>T (p.Ala35Val)

Gene: KAT2B (lysine acetyltransferase 2B; plus strand). Cytogenetic location: 3p24.3.
Variant type: single nucleotide variant.
Coding change: c.104C>T on transcript NM_003884.5 (MANE Select); coding-DNA position 104, C replaced by T.
Protein change: p.Ala35Val; replaces alanine 35 with valine.
Molecular consequence: missense variant.
Genome position (GRCh38, 1-based): chr3:20,040,581, C>T. VCF-style: chr3-20040581-C-T. GRCh37 (hg19) VCF-style: chr3-20082073-C-T.
Other names: short protein forms A35V.
Identifiers: ClinVar variation 2378894 (VCV002378894.4), dbSNP rs995249037, ClinGen allele CA70746797.

ClinVar aggregate classification (germline): Uncertain significance. Review status: criteria provided, single submitter (1 of 4 stars). 2 submissions from 2 submitters: Uncertain significance (1). 1 of the submissions does not count toward it. Last evaluated 2022-06-09.

Conditions:
KAT2B-related disorder. Also called: KAT2B-related condition.

Allele frequency attached by ClinVar (database versions not stated): gnomAD exomes 0.00008; gnomAD 0.00092; TOPMed 0.00092.
gnomAD v4.1: 222 of 1,163,170 alleles (0.019%); highest among the groups gnomAD compares: African/African-American, 0.34%; no homozygotes.

Submissions (2):

Ambry Genetics
Classification: Uncertain significance. Last evaluated: 2022-06-09. Review status: criteria provided, single submitter. Criteria: Ambry Variant Classification Scheme 2023. Collection method: clinical testing. Allele origin: germline.

PreventionGenetics, part of Exact Sciences
Classification: Likely benign for KAT2B-related condition. Last evaluated: 2024-04-22. Review status: no assertion criteria provided. Collection method: clinical testing. Allele origin: germline. Not counted in ClinVar's aggregate classification.
Comment: This variant is classified as likely benign based on ACMG/AMP sequence variant interpretation guidelines (Richards et al. 2015 PMID: 25741868, with internal and published modifications).